The following is an entry in ClinVar:

NM_001204.7(BMPR2):c.1742A>G (p.Glu581Gly)

Gene: BMPR2 (bone morphogenetic protein receptor type 2; plus strand). Cytogenetic location: 2q33.2.
Variant type: single nucleotide variant.
Coding change: c.1742A>G on transcript NM_001204.7 (MANE Select); coding-DNA position 1742, A replaced by G.
Protein change: p.Glu581Gly; replaces glutamic acid 581 with glycine.
Molecular consequence: missense variant.
Genome position (GRCh38, 1-based): chr2:202,555,407, A>G. VCF-style: chr2-202555407-A-G. GRCh37 (hg19) VCF-style: chr2-203420130-A-G.
Other names: short protein forms E581G.
Identifiers: ClinVar variation 1974948 (VCV001974948.15), dbSNP rs763249213, ClinGen allele CA2061439.

ClinVar aggregate classification (germline): Conflicting classifications of pathogenicity. Review status: criteria provided, conflicting classifications (1 of 4 stars). 4 submissions from 4 submitters: Uncertain significance (3); Likely benign (1). Last evaluated 2026-01-25.

Conditions:
Primary pulmonary hypertension. Also called: Idiopathic pulmonary hypertension. Identifiers: MedGen C0152171.
Pulmonary hypertension, primary, 1 (PPH1). Also called: Pulmonary hypertension, familial primary, 1, with or without HHT. Identifiers: Orphanet 422, MedGen C4552070, MONDO:0024533, OMIM 178600.
Pulmonary venoocclusive disease 1 (PVOD1). Also called: Pulmonary venoocclusive disease 1, autosomal dominant. Identifiers: Orphanet 31837, MedGen C3887658, MONDO:0020713, OMIM 265450.
Inborn genetic diseases. Identifiers: MedGen C0950123, MeSH D030342.

Allele frequency attached by ClinVar (database versions not stated): gnomAD exomes below 0.00001; ExAC 0.00001; gnomAD 0.00001; TOPMed 0.00001.
gnomAD v4.1: 8 of 1,613,982 alleles (0.0005%); highest among the groups gnomAD compares: Non-Finnish European, 0.00068%; no homozygotes.

Submissions (4):

Labcorp Genetics (formerly Invitae), Labcorp
Classification: Likely benign for Primary pulmonary hypertension. Last evaluated: 2026-01-25. Review status: criteria provided, single submitter. Criteria: Invitae Variant Classification Sherloc (09022015). Collection method: clinical testing. Allele origin: germline.

CeGaT Center for Human Genetics Tuebingen
Classification: Uncertain significance. Last evaluated: 2025-08-01. Review status: criteria provided, single submitter. Criteria: CeGaT Center For Human Genetics Tuebingen Variant Classification Criteria Version 2. Collection method: clinical testing. Allele origin: germline. Affected: yes. Observed: 1 variant allele.

Ambry Genetics
Classification: Uncertain significance for Inborn genetic diseases. Last evaluated: 2025-04-29. Review status: criteria provided, single submitter. Criteria: Ambry Variant Classification Scheme 2023. Collection method: clinical testing. Allele origin: germline.
Comment: The p.E581G variant (also known as c.1742A>G), located in coding exon 12 of the BMPR2 gene, results from an A to G substitution at nucleotide position 1742. The glutamic acid at codon 581 is replaced by glycine, an amino acid with similar properties. This amino acid position is conserved. In addition, this alteration is predicted to be deleterious by in silico analysis. Based on the available evidence, the clinical significance of this variant remains unclear.

Fulgent Genetics
Classification: Uncertain significance for Pulmonary hypertension, primary, 1; Pulmonary venoocclusive disease 1. Last evaluated: 2024-04-05. Review status: criteria provided, single submitter. Criteria: ACMG Guidelines, 2015. Collection method: clinical testing. Allele origin: germline.